The following is an entry in ClinVar:

NM_012434.5(SLC17A5):c.905del (p.Asn302fs)

Gene: SLC17A5 (solute carrier family 17 member 5; minus strand). Cytogenetic location: 6q13.
Variant type: Deletion.
Coding change: c.905del on transcript NM_012434.5 (MANE Select); coding-DNA position 905, one base deleted (A; older notation c.905delA).
Protein change: p.Asn302fs; shifts the reading frame from asparagine 302.
Molecular consequence: frameshift variant.
Genome position (GRCh38, 1-based): chr6:73,621,877, T deleted on the plus strand (A on the coding strand, the reverse complement: SLC17A5 is on the minus strand); the first of 2 consecutive T bases (chr6:73,621,877-73,621,878); deleting either gives the same sequence. VCF-style (leftmost placement, unchanged base first): chr6-73621876-GT-G. GRCh37 (hg19) VCF-style: chr6-74331599-GT-G.
Other names: short protein forms N302fs.
Identifiers: ClinVar variation 370901 (VCV000370901.9), dbSNP rs771156053, ClinGen allele CA3890396.

ClinVar aggregate classification (germline): Pathogenic/Likely pathogenic. Review status: criteria provided, multiple submitters, no conflicts (2 of 4 stars). 4 submissions from 4 submitters: Pathogenic (1); Likely pathogenic (2). 1 of the submissions does not count toward it. Last evaluated 2024-03-06.

Conditions:
Sialic acid storage disease, severe infantile type (ISSD). Also called: N-ACETYLNEURAMINIC ACID STORAGE DISEASE; NANA STORAGE DISEASE; SIALURIA, INFANTILE FORM; INFANTILE SIALIC ACID STORAGE DISORDER; Infantile Sialic Acid Storage Disease; Free sialic acid storage disease, infantile form. Identifiers: Orphanet 309324, Orphanet 834, MedGen C1096902, MONDO:0010027, OMIM 269920.
Salla disease (SD). Also called: Sialuria, Finnish type; N-acetylneuraminic acid (NANA) storage disease (NSD); Infantile sialic acid storage disorder (ISSD); Less Severe FSASD (Salla Disease). Identifiers: Orphanet 309334, Orphanet 834, MedGen C1096903, MONDO:0011449, OMIM 604369.

Submissions (4):

Fulgent Genetics
Classification: Likely pathogenic for Sialic acid storage disease, severe infantile type; Salla disease. Last evaluated: 2024-03-06. Review status: criteria provided, single submitter. Criteria: ACMG Guidelines, 2015. Collection method: clinical testing. Allele origin: germline.

Baylor Genetics
Classification: Likely pathogenic for Salla disease. Last evaluated: 2023-10-18. Review status: criteria provided, single submitter. Criteria: ACMG Guidelines, 2015. Collection method: clinical testing. Allele origin: unknown.

Labcorp Genetics (formerly Invitae), Labcorp
Classification: Pathogenic for Salla disease. Last evaluated: 2022-12-10. Review status: criteria provided, single submitter. Criteria: Invitae Variant Classification Sherloc (09022015). Collection method: clinical testing. Allele origin: germline.
Comment: For these reasons, this variant has been classified as Pathogenic. Algorithms developed to predict the effect of sequence changes on RNA splicing suggest that this variant may disrupt the consensus splice site. ClinVar contains an entry for this variant (Variation ID: 370901). This variant has not been reported in the literature in individuals affected with SLC17A5-related conditions. This variant is present in population databases (rs771156053, gnomAD 0.008%). This sequence change creates a premature translational stop signal (p.Asn302Thrfs*8) in the SLC17A5 gene. It is expected to result in an absent or disrupted protein product. Loss-of-function variants in SLC17A5 are known to be pathogenic (PMID: 10581036, 10947946, 15172001).

Counsyl
Classification: Likely pathogenic for Salla disease. Last evaluated: 2016-05-09. Review status: no assertion criteria provided. Collection method: clinical testing. Allele origin: unknown. Not counted in ClinVar's aggregate classification.

Literature cited by the submitters: PubMed 10581036 (cited by Labcorp Genetics (formerly Invitae), Labcorp); PubMed 10947946 (cited by Labcorp Genetics (formerly Invitae), Labcorp); PubMed 15172001 (cited by Labcorp Genetics (formerly Invitae), Labcorp).